The following is an entry in ClinVar:

ClinVar aggregate classification (germline): Uncertain significance (1 of 4 stars; one submission).

Submission:

GeneDx
Classification: Uncertain significance. Last evaluated: 2026-02-03. Review status: criteria provided, single submitter. Criteria: GeneDx Variant Classification Process June 2021. Collection method: clinical testing. Allele origin: germline.
Comment: Not observed at significant frequency in large population cohorts (gnomAD); In silico analysis suggests that this missense variant does not alter protein structure/function; Has not been previously published as pathogenic or benign to our knowledge

NM_001379291.1(BRD4):c.2269C>T (p.Pro757Ser)

Gene: BRD4 (bromodomain containing 4; minus strand). Cytogenetic location: 19p13.12.
Variant type: single nucleotide variant.
Coding change: c.2269C>T on transcript NM_001379291.1 (MANE Select); coding-DNA position 2269, C replaced by T.
Protein change: p.Pro757Ser; replaces proline 757 with serine.
Molecular consequence: missense variant.
Genome position (GRCh38, 1-based): chr19:15,244,543, G>A on the plus strand (C>T on the coding strand, the complement: BRD4 is on the minus strand). VCF-style: chr19-15244543-G-A. GRCh37 (hg19) VCF-style: chr19-15355354-G-A.
Other names: c.2269C>T, p.Pro757Ser (NM_058243.3); short protein forms P757S.
Identifiers: ClinVar variation 4975980 (VCV004975980.1).
Genomic context (GRCh38, chr19:15,244,543, plus strand): 5'-GCGGCTGCTGTTGCTGCTGCGGAGGTGGAGGCGGTGGGGGCTGCTGGGGAGGCGGGGGCG[G>A]CTGCTGGGGCACAGGAGCCGGGGCCTGCTGCATCTGCTGATGGTGGTGATGATGGTGCTG-3'
Protein context (NP_001366220.1, residues 747-767): QQAPAPVPQQ[Pro757Ser]PPPPQQPPPP